The following is an entry in ClinVar:

ClinVar aggregate classification (germline): Uncertain significance (1 of 4 stars; one submission).

Conditions:
Imerslund-Grasbeck syndrome. Also called: ENTEROCYTE COBALAMIN MALABSORPTION; ENTEROCYTE INTRINSIC FACTOR RECEPTOR, DEFECT OF; PERNICIOUS ANEMIA, JUVENILE, DUE TO SELECTIVE INTESTINAL MALABSORPTION OF VITAMIN B12, WITH PROTEINURIA; Megaloblastic anemia due to inborn errors of metabolism; Imerslund-Gräsbeck syndrome. Identifiers: Orphanet 35858, MedGen C4551825, MONDO:0009853.

Allele frequency attached by ClinVar (database versions not stated): gnomAD exomes below 0.00001; gnomAD 0.00001; TOPMed 0.00001.
gnomAD v4.1: 2 of 1,613,744 alleles (0.00012%); highest among the groups gnomAD compares: African/African-American, 0.0013%; no homozygotes.

Submission:

Labcorp Genetics (formerly Invitae), Labcorp
Classification: Uncertain significance for Imerslund-Grasbeck syndrome. Last evaluated: 2022-10-17. Review status: criteria provided, single submitter. Criteria: Invitae Variant Classification Sherloc (09022015). Collection method: clinical testing. Allele origin: germline.
Comment: In summary, the available evidence is currently insufficient to determine the role of this variant in disease. Therefore, it has been classified as a Variant of Uncertain Significance. Advanced modeling of protein sequence and biophysical properties (such as structural, functional, and spatial information, amino acid conservation, physicochemical variation, residue mobility, and thermodynamic stability) performed at Invitae indicates that this missense variant is not expected to disrupt CUBN protein function. ClinVar contains an entry for this variant (Variation ID: 1419324). This variant has not been reported in the literature in individuals affected with CUBN-related conditions. This variant is not present in population databases (gnomAD no frequency). This sequence change replaces threonine, which is neutral and polar, with lysine, which is basic and polar, at codon 2542 of the CUBN protein (p.Thr2542Lys).

NM_001081.4(CUBN):c.7625C>A (p.Thr2542Lys)

Gene: CUBN (cubilin; minus strand). Cytogenetic location: 10p13.
Variant type: single nucleotide variant.
Coding change: c.7625C>A on transcript NM_001081.4 (MANE Select); coding-DNA position 7625, C replaced by A.
Protein change: p.Thr2542Lys; replaces threonine 2542 with lysine.
Molecular consequence: missense variant.
Genome position (GRCh38, 1-based): chr10:16,907,588, G>T on the plus strand (C>A on the coding strand, the complement: CUBN is on the minus strand). VCF-style: chr10-16907588-G-T. GRCh37 (hg19) VCF-style: chr10-16949587-G-T.
Other names: short protein forms T2542K.
Identifiers: ClinVar variation 1419324 (VCV001419324.6), dbSNP rs1841590875, ClinGen allele CA376144273.